The following is an entry in ClinVar:

NM_015910.7(WDPCP):c.1748+18375A>G

Gene: WDPCP (WD repeat containing planar cell polarity effector; minus strand). Cytogenetic location: 2p15.
Variant type: single nucleotide variant.
Coding change: c.1748+18375A>G on transcript NM_015910.7 (MANE Select); 18375 bases into the intron after coding-DNA position 1748, A replaced by G.
Molecular consequence: intron variant. On other transcripts: missense variant (1).
Genome position (GRCh38, 1-based): chr2:63,360,011, T>C on the plus strand (A>G on the coding strand, the complement: WDPCP is on the minus strand). VCF-style: chr2-63360011-T-C. GRCh37 (hg19) VCF-style: chr2-63587146-T-C.
Other names: c.1814A>G, p.His605Arg (NM_001354045.2); c.1676+18375A>G (NM_001354044.2); c.1271+18375A>G (NM_001042692.3); short protein forms H605R.
Identifiers: ClinVar variation 4982809 (VCV004982809.1).
Genomic context (GRCh38, chr2:63,360,011, plus strand): 5'-ATGCCAGTGGTCCCAGCTACTCGGGAGGCTGAGGCAGAAGAATCGCTTGAACCCAGGAGA[T>C]GGAGGTGGCAATGAACCGCGATCACATCACTGCACTCCAGCCTGGGCGACAAGGCAAGAC-3'

ClinVar aggregate classification (germline): Uncertain significance (1 of 4 stars; one submission).

Conditions:
WDPCP-related disorder. Also called: WDPCP-related condition.

Submission:

PreventionGenetics, part of Exact Sciences
Classification: Uncertain significance for WDPCP-related condition. Last evaluated: 2026-05-27. Review status: criteria provided, single submitter. Criteria: ACMG Guidelines, 2015. Collection method: clinical testing. Allele origin: germline.
Comment: The WDPCP c.1814A>G variant is predicted to result in the amino acid substitution p.His605Arg. To our knowledge, this variant has not been reported in the literature or in a large population database (gnomAD), indicating this variant is rare. At this time, the clinical significance of this variant is uncertain due to the absence of conclusive functional and genetic evidence.